The following is an entry in ClinVar:

ClinVar aggregate classification (germline): Pathogenic/Likely pathogenic. Review status: criteria provided, multiple submitters, no conflicts (2 of 4 stars). 2 submissions from 2 submitters: Pathogenic (1); Likely pathogenic (1). Last evaluated 2025-05-27.

Conditions:
Usher syndrome type 1 (USH1). Also called: RETINITIS PIGMENTOSA AND CONGENITAL DEAFNESS. Identifiers: Orphanet 231169, Orphanet 886, MedGen C1568247, MONDO:0010168, OMIM 276900.

Allele frequency attached by ClinVar (database versions not stated): gnomAD exomes below 0.00001.

Submissions (2):

Labcorp Genetics (formerly Invitae), Labcorp
Classification: Pathogenic. Last evaluated: 2025-05-27. Review status: criteria provided, single submitter. Criteria: Invitae Variant Classification Sherloc (09022015). Collection method: clinical testing. Allele origin: germline.
Comment: This sequence change creates a premature translational stop signal (p.Gln2036*) in the MYO7A gene. It is expected to result in an absent or disrupted protein product. Loss-of-function variants in MYO7A are known to be pathogenic (PMID: 8900236, 25404053). This variant is not present in population databases (gnomAD no frequency). This variant has not been reported in the literature in individuals affected with MYO7A-related conditions. ClinVar contains an entry for this variant (Variation ID: 983989). For these reasons, this variant has been classified as Pathogenic.

Myriad Genetics, Inc.
Classification: Likely pathogenic for Usher syndrome type 1. Last evaluated: 2019-04-07. Review status: criteria provided, single submitter. Criteria: Myriad Women's Health Autosomal Recessive and X-Linked Classification Criteria (2019). Collection method: clinical testing. Allele origin: unknown.
Comment: NM_000260.3(MYO7A):c.6106C>T(Q2036*) is expected to be pathogenic in the context of MYO7A-related disorders. This variant is predicted to lead to an abnormal or absent protein product due to the creation of a premature termination codon in MYO7A, a gene where loss-of-function variants are known to be pathogenic. Please note: this variant was assessed in the context of healthy population screening.

Literature cited by the submitters: PubMed 8900236 (cited by Labcorp Genetics (formerly Invitae), Labcorp); PubMed 25404053 (cited by Labcorp Genetics (formerly Invitae), Labcorp).

NM_000260.4(MYO7A):c.6106C>T (p.Gln2036Ter)

Gene: MYO7A (myosin VIIA; plus strand). Cytogenetic location: 11q13.5.
Variant type: single nucleotide variant.
Coding change: c.6106C>T on transcript NM_000260.4 (MANE Select); coding-DNA position 6106, C replaced by T.
Protein change: p.Gln2036Ter; replaces glutamine 2036 with a stop codon.
Molecular consequence: nonsense.
Genome position (GRCh38, 1-based): chr11:77,211,206, C>T. VCF-style: chr11-77211206-C-T. GRCh37 (hg19) VCF-style: chr11-76922251-C-T.
Other names: c.5992C>T, p.Gln1998Ter (NM_001127180.2); c.5959C>T, p.Gln1987Ter (NM_001369365.1); short protein forms Q1987*, Q1998*, Q2036*.
Identifiers: ClinVar variation 983989 (VCV000983989.7), dbSNP rs1957842461, ClinGen allele CA381935736.